The following is an entry in ClinVar:

ClinVar aggregate classification (germline): Uncertain significance. Review status: criteria provided, multiple submitters, no conflicts (2 of 4 stars). 2 submissions from 2 submitters: Uncertain significance (2). Last evaluated 2023-02-15.

Conditions:
Intellectual developmental disorder with seizures and language delay (IDDSELD). Identifiers: MedGen C5436574, MONDO:0033559, OMIM 619000.
Inborn genetic diseases. Identifiers: MedGen C0950123, MeSH D030342.

Allele frequency attached by ClinVar (database versions not stated): gnomAD 0.00047.

Submissions (2):

Ambry Genetics
Classification: Uncertain significance for Inborn genetic diseases. Last evaluated: 2023-02-15. Review status: criteria provided, single submitter. Criteria: Ambry Variant Classification Scheme 2023. Collection method: clinical testing. Allele origin: germline.

New York Genome Center
Classification: Uncertain significance for Intellectual developmental disorder with seizures and language delay. Last evaluated: 2020-09-23. Review status: criteria provided, single submitter. Criteria: NYGC Assertion Criteria 2020. Collection method: clinical testing. Allele origin: inherited. Observed: 1 heterozygote. Study: CSER-NYCKidSeq.

NM_001353345.2(SETD1B):c.4757T>G (p.Leu1586Arg)

Gene: SETD1B (SET domain containing 1B, histone lysine methyltransferase; plus strand). Cytogenetic location: 12q24.31.
Variant type: single nucleotide variant.
Coding change: c.4757T>G on transcript NM_001353345.2 (MANE Select); coding-DNA position 4757, T replaced by G.
Protein change: p.Leu1586Arg; replaces leucine 1586 with arginine.
Molecular consequence: missense variant.
Genome position (GRCh38, 1-based): chr12:121,823,336, T>G. VCF-style: chr12-121823336-T-G. GRCh37 (hg19) VCF-style: chr12-122261242-T-G.
Other names: NM_015048.1:c.4628T>G; short protein forms L1586R.
Identifiers: ClinVar variation 1213710 (VCV001213710.5), dbSNP rs749126935, ClinGen allele CA386999645.